The following is an entry in ClinVar:

ClinVar aggregate classification (germline): Pathogenic/Likely pathogenic. Review status: criteria provided, multiple submitters, no conflicts (2 of 4 stars). 11 submissions from 11 submitters: Pathogenic (3); Likely pathogenic (2). 6 of the submissions do not count toward it. Last evaluated 2025-05-16.

Conditions:
Hereditary cancer-predisposing syndrome. Also called: Tumor predisposition; Neoplastic Syndromes, Hereditary; Hereditary neoplastic syndrome; Hereditary Cancer Syndrome. Identifiers: Orphanet 140162, MedGen C0027672, MeSH D009386, MONDO:0015356.
Hereditary breast ovarian cancer syndrome. Also called: Hereditary breast and ovarian cancer; Hereditary breast and ovarian cancer syndrome (HBOC); Hereditary breast and/or ovarian cancer syndrome; Breast and ovarian cancer; Hereditary breast and ovarian cancer syndrome; BRCA1- and BRCA2-Associated Hereditary Breast and Ovarian Cancer. Identifiers: Orphanet 145, MedGen C0677776, MeSH D061325, MONDO:0003582. Disease mechanism: loss of function.
Breast-ovarian cancer, familial, susceptibility to, 2 (BROVCA2). Also called: BRCA2 Hereditary Breast and Ovarian Cancer. Identifiers: Orphanet 145, MedGen C2675520, MONDO:0012933, OMIM 612555. Disease mechanism: loss of function.

Allele frequency attached by ClinVar (database versions not stated): gnomAD exomes below 0.00001.
gnomAD v4.1: 1 of 1,613,964 alleles (0.000062%); highest among the groups gnomAD compares: Non-Finnish European, 0.000085%; no homozygotes.

Submissions (11):

Ambry Genetics
Classification: Likely pathogenic for Hereditary cancer-predisposing syndrome. Last evaluated: 2025-05-16. Review status: criteria provided, single submitter. Criteria: Ambry Variant Classification Scheme 2023. Collection method: clinical testing. Allele origin: germline.
Comment: The c.8754+5G>A intronic variant results from a G to A substitution 5 nucleotides after coding exon 20 in the BRCA2 gene. This alteration has been reported in a patient diagnosed with early-onset breast cancer who had a family history of breast cancer (Vreeswijk MP et al. Hum Mutat. 2009 Jan;30(1):107-14). This variant is considered to be rare based on population cohorts in the Genome Aggregation Database (gnomAD). One functional complementation assay in mouse-embryonic stem (mES) cells showed that the alteration could not complement the lethality of mBrca2-knockout (Hendriks G. Hum Mutat. 2014 Nov;35(11):1382-91). Two saturation genome editing-based studies, including a haploid cell-survival assay and a humanized mouse embryonic stem cell line assay of drug response and survival, demonstrate that this nucleotide substitution is non-functional (Huang H et al. Nature. 2025 Feb;638(8050):528-537; Sahu S et al. Nature. 2025 Feb;638(8050):538-545). This nucleotide position is highly conserved in available vertebrate species. In silico splice site analysis predicts that this alteration will weaken the native splice donor site and will result in the creation or strengthening of a novel splice donor site. Multiple splicing assays have shown this alteration results in an aberrant transcript which retains 46 nucleotides from intron 20 and would cause a translational frameshift with a predicted alternate stop codon (Vreeswijk MP et al. Hum Mutat. 2009 Jan;30(1):107-14; Hendriks G et al. Hum Mutat. 2014 Nov;35(11):1382-91; Acedo A et al. Hum Mutat. 2015 Feb;36(2):210-21). Based on the majority of available evidence to date, this variant is likely to be pathogenic.

Color Diagnostics, LLC DBA Color Health
Classification: Pathogenic for Hereditary cancer-predisposing syndrome. Last evaluated: 2022-03-22. Review status: criteria provided, single submitter. Criteria: ACMG Guidelines, 2015. Collection method: clinical testing. Allele origin: germline.
Comment: This variant causes a G to A nucleotide substitution at the +5 position of intron 21 of the BRCA2 gene. RNA studies have reported that this variant causes the out-of-frame splicing of intron 21 in RNA from carrier-derived cells, in minigene splicing assay and in mouse embryonic stem cells (PMID: 18693280, 25146914, 25382762). Moreover, this variant failed to complement Brca2-deficient mouse embryonic stem cell (PMID: 25146914). This variant has been reported in an individual affected with breast and/or ovarian cancer (PMID: 18693280). This variant has not been identified in the general population by the Genome Aggregation Database (gnomAD). Loss of BRCA2 function is a known mechanism of disease. Based on the available evidence, this variant is classified as Pathogenic.

Labcorp Genetics (formerly Invitae), Labcorp
Classification: Likely pathogenic for Hereditary breast ovarian cancer syndrome. Last evaluated: 2021-05-31. Review status: criteria provided, single submitter. Criteria: Invitae Variant Classification Sherloc (09022015). Collection method: clinical testing. Allele origin: germline.
Comment: In summary, the currently available evidence indicates that the variant is pathogenic, but additional data are needed to prove that conclusively. Therefore, this variant has been classified as Likely Pathogenic. This sequence change falls in intron 21 of the BRCA2 gene. It does not directly change the encoded amino acid sequence of the BRCA2 protein. RNA analysis indicates that this variant induces altered splicing and may result in an absent or disrupted protein product. This variant is not present in population databases (ExAC no frequency). This variant has been observed in individual(s) with clinical features of hereditary breast and ovarian cancer (HBOC) syndrome (PMID: 18693280). This variant is also known as IVS21+5G>A. ClinVar contains an entry for this variant (Variation ID: 38182). Studies have shown that this variant alters BRCA2 gene expression (PMID: 25146914). Nucleotide substitutions within the consensus splice site are a relatively common cause of aberrant splicing (PMID: 17576681, 9536098). Studies have shown that this variant is associated with retention of 46 nucleotides from intron 21, which introduces a premature termination codon (PMID: 18693280, 25146914). The resulting mRNA is expected to undergo nonsense-mediated decay.

Genome Diagnostics Laboratory, University Medical Center Utrecht
Classification: Pathogenic for Breast-ovarian cancer, familial, susceptibility to, 2. Last evaluated: 2017-07-28. Review status: criteria provided, single submitter. Criteria: ACGS Guidelines, 2013. Collection method: clinical testing. Allele origin: germline. Affected: yes. Study: VKGL Data-share Consensus.

Consortium of Investigators of Modifiers of BRCA1/2 (CIMBA), c/o University of Cambridge
Classification: Pathogenic for Breast-ovarian cancer, familial, susceptibility to, 2. Last evaluated: 2015-10-02. Review status: criteria provided, single submitter. Criteria: CIMBA Mutation Classification guidelines May 2016. Collection method: clinical testing. Allele origin: germline.

Sharing Clinical Reports Project (SCRP)
Classification: Pathogenic for Breast-ovarian cancer, familial 2. Last evaluated: 2012-05-01. Review status: no assertion criteria provided. Collection method: clinical testing. Allele origin: germline. Not counted in ClinVar's aggregate classification.

Breast Cancer Information Core (BIC) (BRCA2)
Classification: Uncertain significance for Breast-ovarian cancer, familial 2. Last evaluated: 2003-12-23. Review status: no assertion criteria provided. Collection method: clinical testing. Allele origin: germline. Affected: yes. Observed: 1 variant allele. Not counted in ClinVar's aggregate classification.

Clinical Genetics Laboratory, Department of Pathology, Netherlands Cancer Institute
Classification: Pathogenic. Review status: no assertion criteria provided. Collection method: clinical testing. Allele origin: germline. Affected: yes. Study: VKGL Data-share Consensus. Not counted in ClinVar's aggregate classification.

Diagnostic Laboratory, Department of Genetics, University Medical Center Groningen
Classification: Pathogenic for Breast-ovarian cancer, familial, susceptibility to, 2. Review status: no assertion criteria provided. Collection method: clinical testing. Allele origin: germline. Affected: yes. Study: VKGL Data-share Consensus. Not counted in ClinVar's aggregate classification.

Joint Genome Diagnostic Labs from Nijmegen and Maastricht, Radboudumc and MUMC+
Classification: Pathogenic. Review status: no assertion criteria provided. Collection method: clinical testing. Allele origin: germline. Affected: yes. Study: VKGL Data-share Consensus. Not counted in ClinVar's aggregate classification.

Laboratory of Diagnostic Genome Analysis, Leiden University Medical Center (LUMC)
Classification: Pathogenic. Review status: no assertion criteria provided. Collection method: clinical testing. Allele origin: germline. Affected: yes. Study: VKGL Data-share Consensus. Not counted in ClinVar's aggregate classification.

Literature cited by the submitters: PubMed 39779848 (cited by Ambry Genetics); PubMed 39779857 (cited by Ambry Genetics); PubMed 18693280 (cited by Color Diagnostics, LLC DBA Color Health and Labcorp Genetics (formerly Invitae), Labcorp); PubMed 25146914 (cited by Color Diagnostics, LLC DBA Color Health and Labcorp Genetics (formerly Invitae), Labcorp); PubMed 25382762 (cited by Color Diagnostics, LLC DBA Color Health); PubMed 17576681 (cited by Labcorp Genetics (formerly Invitae), Labcorp); PubMed 9536098 (cited by Labcorp Genetics (formerly Invitae), Labcorp).

NM_000059.4(BRCA2):c.8754+5G>A

Gene: BRCA2 (BRCA2 DNA repair associated; plus strand). Cytogenetic location: 13q13.1.
Variant type: single nucleotide variant.
Coding change: c.8754+5G>A on transcript NM_000059.4 (MANE Select); 5 bases into the intron after coding-DNA position 8754, G replaced by A.
Molecular consequence: intron variant.
Genome position (GRCh38, 1-based): chr13:32,376,796, G>A. VCF-style: chr13-32376796-G-A. GRCh37 (hg19) VCF-style: chr13-32950933-G-A.
Other names: IVS21+5G>A.
Identifiers: ClinVar variation 38182 (VCV000038182.22), dbSNP rs81002813, ClinGen allele CA025807.
Genomic context (GRCh38, chr13:32,376,796, plus strand): 5'-ATGGTGCAGAGCTTTATGAAGCAGTGAAGAATGCAGCAGACCCAGCTTACCTTGAGGTGA[G>A]AGAGTAAGAGGACATATAATGAGGCTTGATGATTATTCAAGGTGAGAAGCTGTTTTAGAC-3'